The following is an entry in ClinVar:

ClinVar aggregate classification (germline): Conflicting classifications of pathogenicity. Review status: criteria provided, conflicting classifications (1 of 4 stars). 2 submissions from 2 submitters: Likely pathogenic (1); Uncertain significance (1). Last evaluated 2022-05-21.

Conditions:
Progressive sclerosing poliodystrophy (MTDPS4A). Also called: ALPERS DIFFUSE DEGENERATION OF CEREBRAL GRAY MATTER WITH HEPATIC CIRRHOSIS; Alpers-Huttenlocher Syndrome; ALPERS PROGRESSIVE INFANTILE POLIODYSTROPHY; NEURONAL DEGENERATION OF CHILDHOOD WITH LIVER DISEASE, PROGRESSIVE; Mitochondrial DNA Depletion Syndrome 4A; Alpers-Huttenlocher Syndrome (AHS). Identifiers: Orphanet 726, MedGen C0205710, MONDO:0008758, OMIM 203700.

Allele frequency attached by ClinVar (database versions not stated): gnomAD exomes below 0.00001.
gnomAD v4.1: 5 of 1,614,150 alleles (0.00031%); highest among the groups gnomAD compares: Non-Finnish European, 0.00042%; no homozygotes.

Submissions (2):

Labcorp Genetics (formerly Invitae), Labcorp
Classification: Uncertain significance for Progressive sclerosing poliodystrophy. Last evaluated: 2022-05-21. Review status: criteria provided, single submitter. Criteria: Invitae Variant Classification Sherloc (09022015). Collection method: clinical testing. Allele origin: germline.
Comment: Algorithms developed to predict the effect of missense changes on protein structure and function are either unavailable or do not agree on the potential impact of this missense change (SIFT: "Deleterious"; PolyPhen-2: "Probably Damaging"; Align-GVGD: "Class C15"). In summary, the available evidence is currently insufficient to determine the role of this variant in disease. Therefore, it has been classified as a Variant of Uncertain Significance. ClinVar contains an entry for this variant (Variation ID: 206626). This missense change has been observed in individual(s) with clinical features of POLG-related conditions (PMID: 29655203). This variant is not present in population databases (gnomAD no frequency). This sequence change replaces asparagine, which is neutral and polar, with aspartic acid, which is acidic and polar, at codon 354 of the POLG protein (p.Asn354Asp).

GeneDx
Classification: Likely pathogenic. Last evaluated: 2019-01-17. Review status: criteria provided, single submitter. Criteria: GeneDx Variant Classification Process June 2021. Collection method: clinical testing. Allele origin: germline. Affected: yes.
Comment: Not observed in large population cohorts (Lek et al., 2016); This variant is associated with the following publications: (PMID: 29655203)

Literature cited by the submitters: PubMed 29655203 (cited by Labcorp Genetics (formerly Invitae), Labcorp).

NM_002693.3(POLG):c.1060A>G (p.Asn354Asp)

Gene: POLG (DNA polymerase gamma, catalytic subunit; minus strand). Cytogenetic location: 15q26.1.
Variant type: single nucleotide variant.
Coding change: c.1060A>G on transcript NM_002693.3 (MANE Select); coding-DNA position 1060, A replaced by G.
Protein change: p.Asn354Asp; replaces asparagine 354 with aspartic acid.
Molecular consequence: missense variant.
Genome position (GRCh38, 1-based): chr15:89,328,795, T>C on the plus strand (A>G on the coding strand, the complement: POLG is on the minus strand). VCF-style: chr15-89328795-T-C. GRCh37 (hg19) VCF-style: chr15-89872026-T-C.
Other names: p.N354D:AAC>GAC; c.1060A>G, p.Asn354Asp (NM_001126131.2); short protein forms N354D.
Identifiers: ClinVar variation 206626 (VCV000206626.8), dbSNP rs796052916, ClinGen allele CA316890.